The following is an entry in ClinVar:

ClinVar aggregate classification (germline): Likely pathogenic (1 of 4 stars; one submission).

Conditions:
Fabry disease. Also called: ALPHA-GALACTOSIDASE A DEFICIENCY; ANDERSON-FABRY DISEASE; CERAMIDE TRIHEXOSIDASE DEFICIENCY; GLA DEFICIENCY; HEREDITARY DYSTOPIC LIPIDOSIS; Angiokeratoma corporis diffusum. Identifiers: Orphanet 324, MedGen C0002986, MONDO:0010526, OMIM 301500, HP:0001071. Disease mechanism: Fabry disease is due to inactivating mutations in the X-linked GLA gene resulting in deficiency of the enzyme Alpha Galactosidase-A., loss of function.

Submission:

Genomenon, Inc
Classification: Likely pathogenic for Fabry disease. Last evaluated: 2026-09-08. Review status: criteria provided, single submitter. Criteria: Genomenon Sequence Variant Interpretation Standards - Updated. Collection method: curation. Allele origin: germline. Affected: yes.
Comment: GLA p.Leu131Pro (c.392T>C) is a missense variant that changes the amino acid at codon 131 from Leucine to Proline. This variant has been observed in at least one proband with clinical features consistent with Fabry disease (PMID:22710134;15091117;16720462). At least one functional study has demonstrated a substantial alteration in protein function relative to the wild-type (PMID:32023956;21598360;27657681). It is absent or not present at a significant frequency in gnomAD. In silico models predict that this variant is possibly or probably damaging. In conclusion, we classify GLA p.Leu131Pro (c.392T>C) as a likely pathogenic variant.

Literature cited by the submitters: PubMed 22710134; PubMed 15091117; PubMed 16720462; PubMed 32023956; PubMed 21598360; PubMed 27657681.

NM_000169.3(GLA):c.392T>C (p.Leu131Pro)

Genes: GLA (galactosidase alpha; minus strand), RPL36A-HNRNPH2 (RPL36A-HNRNPH2 readthrough; plus strand). Cytogenetic location: Xq22.1.
Variant type: single nucleotide variant.
Coding change: c.392T>C on transcript NM_000169.3 (MANE Select); coding-DNA position 392, T replaced by C.
Protein change: p.Leu131Pro; replaces leucine 131 with proline.
Molecular consequence: missense variant. On other transcripts: non-coding transcript variant (3), intron variant (2).
Genome position (GRCh38, 1-based): chrX:101,401,787, A>G on the plus strand (T>C on the coding strand, the complement: GLA is on the minus strand). VCF-style: chrX-101401787-A-G. GRCh37 (hg19) VCF-style: chrX-100656775-A-G.
Other names: c.515T>C, p.Leu172Pro (NM_001406747.1, NM_001406749.1); c.392T>C, p.Leu131Pro (NM_001406748.1); c.300+6330A>G (NM_001199973.2); c.177+9965A>G (NM_001199974.2); short protein forms L131P, L172P.
Identifiers: ClinVar variation 4087354 (VCV004087354.2), dbSNP rs869312298.
Genomic context (GRCh38, chrX:101,401,787, plus strand): 5'-TATCCAAAACTCCCAGGGAAGCCTGCGCAGGTTTTATTTCCAACATCTGCATAAATCCCT[A>G]GCTTCAGTCCTTTGCTGTGAACCTGAAATGAGAGGGAGGAAAAGAGTCACCATTGTAGAA-3'
Protein context (NP_000160.1, residues 121-141): ANYVHSKGLK[Leu131Pro]GIYADVGNKT